The following is an entry in ClinVar:

NM_000051.4(ATM):c.7928-47T>C

Genes: ATM (ATM serine/threonine kinase; plus strand), C11orf65 (chromosome 11 open reading frame 65; minus strand). Cytogenetic location: 11q22.3.
Variant type: single nucleotide variant.
Coding change: c.7928-47T>C on transcript NM_000051.4 (MANE Select); 47 bases into the intron before coding-DNA position 7928, T replaced by C.
Molecular consequence: intron variant.
Genome position (GRCh38, 1-based): chr11:108,333,839, T>C. VCF-style: chr11-108333839-T-C. GRCh37 (hg19) VCF-style: chr11-108204566-T-C.
Other names: c.7928-47T>C (NM_001351834.2); c.641-24768A>G (NM_001330368.2); c.*38+1381A>G (NM_001351110.2).
Identifiers: ClinVar variation 4539063 (VCV004539063.1).
Genomic context (GRCh38, chr11:108,333,839, plus strand): 5'-ACAGATTAGCAACAAGTTGGGGCCAGTGGTATCTGCTGACTATTCCTGCTTGACCTTCAA[T>C]GCTGTTCCTCAGTTTGTCACTAAAATCTCTTCATTTTTAAATACAGAAGGCATAAATATT-3'

ClinVar aggregate classification (germline): Likely benign (1 of 4 stars; one submission).

gnomAD v4.1: 144 of 1,433,794 alleles (0.01%); highest among the groups gnomAD compares: South Asian, 0.15%; no homozygotes.

Submission:

Center for Genomic Medicine, Rigshospitalet, Copenhagen University Hospital
Classification: Likely benign. Last evaluated: 2025-12-29. Review status: criteria provided, single submitter. Criteria: ACMG Guidelines, 2015. Collection method: clinical testing. Allele origin: germline.
Comment: Classification criteria: BS1_strong, BP4_supporting, BP7_supporting